The following is an entry in ClinVar:

NM_017827.4(SARS2):c.67G>C (p.Gly23Arg)

Genes: SARS2 (seryl-tRNA synthetase 2, mitochondrial; minus strand), LOC130064387 (ATAC-STARR-seq lymphoblastoid active region 14604; plus strand). Cytogenetic location: 19q13.2.
Variant type: single nucleotide variant.
Coding change: c.67G>C on transcript NM_017827.4 (MANE Select); coding-DNA position 67, G replaced by C.
Protein change: p.Gly23Arg; replaces glycine 23 with arginine.
Molecular consequence: missense variant.
Genome position (GRCh38, 1-based): chr19:38,930,670, C>G on the plus strand (G>C on the coding strand, the complement: SARS2 is on the minus strand). VCF-style: chr19-38930670-C-G. GRCh37 (hg19) VCF-style: chr19-39421310-C-G.
Other names: c.67G>C, p.Gly23Arg (NM_001145901.2); short protein forms G23R.
Identifiers: ClinVar variation 4693501 (VCV004693501.1).

ClinVar aggregate classification (germline): Uncertain significance (1 of 4 stars; one submission).

gnomAD v4.1: 4 of 1,613,974 alleles (0.00025%); highest among the groups gnomAD compares: Middle Eastern, 0.016%; no homozygotes.

Submission:

Labcorp Genetics (formerly Invitae), Labcorp
Classification: Uncertain significance. Last evaluated: 2025-10-06. Review status: criteria provided, single submitter. Criteria: Invitae Variant Classification Sherloc (09022015). Collection method: clinical testing. Allele origin: germline.
Comment: This sequence change replaces glycine, which is neutral and non-polar, with arginine, which is basic and polar, at codon 23 of the SARS2 protein (p.Gly23Arg). This variant is present in population databases (rs763672575, gnomAD 0.0009%). This variant has not been reported in the literature in individuals affected with SARS2-related conditions. An algorithm developed to predict the effect of missense changes on protein structure and function outputs the following: PolyPhen-2: "Benign". The arginine amino acid residue is found in multiple mammalian species, which suggests that this missense change does not adversely affect protein function. In summary, the available evidence is currently insufficient to determine the role of this variant in disease. Therefore, it has been classified as a Variant of Uncertain Significance.